The following is an entry in ClinVar:

ClinVar aggregate classification (germline): Conflicting classifications of pathogenicity. Review status: criteria provided, conflicting classifications (1 of 4 stars). 3 submissions from 3 submitters: Uncertain significance (1); Benign (1); Likely benign (1). Last evaluated 2025-09-21.

Allele frequency attached by ClinVar (database versions not stated): gnomAD 0.00003; TOPMed 0.00003.
gnomAD v4.1: 52 of 1,207,600 alleles (0.0043%); highest among the groups gnomAD compares: Non-Finnish European, 0.0051%; no homozygotes.

Submissions (3):

Labcorp Genetics (formerly Invitae), Labcorp
Classification: Benign. Last evaluated: 2025-09-21. Review status: criteria provided, single submitter. Criteria: Invitae Variant Classification Sherloc (09022015). Collection method: clinical testing. Allele origin: germline.

Ambry Genetics
Classification: Uncertain significance. Last evaluated: 2024-01-23. Review status: criteria provided, single submitter. Criteria: Ambry Variant Classification Scheme 2023. Collection method: clinical testing. Allele origin: germline.

CeGaT Center for Human Genetics Tuebingen
Classification: Likely benign. Last evaluated: 2023-10-01. Review status: criteria provided, single submitter. Criteria: CeGaT Center For Human Genetics Tuebingen Variant Classification Criteria Version 2. Collection method: clinical testing. Allele origin: germline. Affected: yes. Observed: 2 variant alleles.
Comment: NEXMIF: BP4, BS2

NM_001008537.3(NEXMIF):c.2087G>T (p.Gly696Val)

Gene: NEXMIF (neurite extension and migration factor; minus strand). Cytogenetic location: Xq13.3.
Variant type: single nucleotide variant.
Coding change: c.2087G>T on transcript NM_001008537.3 (MANE Select); coding-DNA position 2087, G replaced by T.
Protein change: p.Gly696Val; replaces glycine 696 with valine.
Molecular consequence: missense variant.
Genome position (GRCh38, 1-based): chrX:74,742,470, C>A on the plus strand (G>T on the coding strand, the complement: NEXMIF is on the minus strand). VCF-style: chrX-74742470-C-A. GRCh37 (hg19) VCF-style: chrX-73962305-C-A.
Other names: c.2087G>T (NM_001008537.2); short protein forms G696V.
Identifiers: ClinVar variation 1711714 (VCV001711714.34), dbSNP rs1270039330, ClinGen allele CA413669016.